The following is an entry in ClinVar:

ClinVar aggregate classification (germline): Likely benign (1 of 4 stars; one submission).

Allele frequency attached by ClinVar (database versions not stated): ExAC 0.00001; TOPMed 0.00002.
gnomAD v4.1: 15 of 1,613,742 alleles (0.00093%); highest among the groups gnomAD compares: South Asian, 0.0044%; no homozygotes.

Submission:

CeGaT Center for Human Genetics Tuebingen
Classification: Likely benign. Last evaluated: 2023-08-01. Review status: criteria provided, single submitter. Criteria: CeGaT Center For Human Genetics Tuebingen Variant Classification Criteria Version 2. Collection method: clinical testing. Allele origin: germline. Affected: yes. Observed: 1 variant allele.
Comment: SLC25A10: BP4, BP7

NM_012140.5(SLC25A10):c.486G>A (p.Ser162=)

Gene: SLC25A10 (solute carrier family 25 member 10; plus strand). Cytogenetic location: 17q25.3.
Variant type: single nucleotide variant.
Coding change: c.486G>A on transcript NM_012140.5 (MANE Select); coding-DNA position 486, G replaced by A.
Protein change: p.Ser162=; no amino-acid change (serine 162 retained).
Molecular consequence: synonymous variant.
Genome position (GRCh38, 1-based): chr17:81,717,024, G>A. VCF-style: chr17-81717024-G-A. GRCh37 (hg19) VCF-style: chr17-79684054-G-A.
Other names: c.486G>A, p.Ser162= (NM_001270888.2, NM_001270953.2).
Identifiers: ClinVar variation 2578805 (VCV002578805.25), dbSNP rs746284476, ClinGen allele CA8841769.